The following is an entry in ClinVar:

NM_001374828.1(ARID1B):c.7024G>A (p.Glu2342Lys)

Gene: ARID1B (AT-rich interaction domain 1B; plus strand). Cytogenetic location: 6q25.3.
Variant type: single nucleotide variant.
Coding change: c.7024G>A on transcript NM_001374828.1 (MANE Select); coding-DNA position 7024, G replaced by A.
Protein change: p.Glu2342Lys; replaces glutamic acid 2342 with lysine.
Molecular consequence: missense variant.
Genome position (GRCh38, 1-based): chr6:157,207,796, G>A. VCF-style: chr6-157207796-G-A. GRCh37 (hg19) VCF-style: chr6-157528930-G-A.
Other names: c.6775G>A, p.Glu2259Lys (NM_001346813.1); c.4525G>A, p.Glu1509Lys (NM_001363725.2); c.6904G>A, p.Glu2302Lys (NM_001371656.1, NM_001374820.1); c.6865G>A, p.Glu2289Lys (NM_017519.3); c.6655G>A, p.Glu2219Lys (NM_020732.3); c.6442G>A, p.Glu2148Lys (NM_175863.2); short protein forms E1509K, E2148K, E2302K, E2342K, E2259K, E2219K, E2289K.
Identifiers: ClinVar variation 2792622 (VCV002792622.3), dbSNP rs1371496107, ClinGen allele CA366249586.

ClinVar aggregate classification (germline): Uncertain significance (1 of 4 stars; one submission).

Allele frequency attached by ClinVar (database versions not stated): gnomAD exomes below 0.00001.
gnomAD v4.1: 3 of 1,557,184 alleles (0.00019%); highest among the groups gnomAD compares: Non-Finnish European, 0.00017%; no homozygotes.

Submission:

Labcorp Genetics (formerly Invitae), Labcorp
Classification: Uncertain significance. Last evaluated: 2023-01-12. Review status: criteria provided, single submitter. Criteria: Invitae Variant Classification Sherloc (09022015). Collection method: clinical testing. Allele origin: germline.
Comment: In summary, the available evidence is currently insufficient to determine the role of this variant in disease. Therefore, it has been classified as a Variant of Uncertain Significance. Advanced modeling of protein sequence and biophysical properties (such as structural, functional, and spatial information, amino acid conservation, physicochemical variation, residue mobility, and thermodynamic stability) has been performed at Invitae for this missense variant, however the output from this modeling did not meet the statistical confidence thresholds required to predict the impact of this variant on ARID1B protein function. This variant has not been reported in the literature in individuals affected with ARID1B-related conditions. This variant is not present in population databases (gnomAD no frequency). This sequence change replaces glutamic acid, which is acidic and polar, with lysine, which is basic and polar, at codon 2219 of the ARID1B protein (p.Glu2219Lys).